The following is an entry in ClinVar:

NM_003073.5(SMARCB1):c.629-202T>G

Gene: SMARCB1 (SWI/SNF related BAF chromatin remodeling complex subunit B1; plus strand). Cytogenetic location: 22q11.23.
Variant type: single nucleotide variant.
Coding change: c.629-202T>G on transcript NM_003073.5 (MANE Select); 202 bases into the intron before coding-DNA position 629, T replaced by G.
Molecular consequence: intron variant.
Genome position (GRCh38, 1-based): chr22:23,816,568, T>G. VCF-style: chr22-23816568-T-G. GRCh37 (hg19) VCF-style: chr22-24158755-T-G.
Other names: c.683-202T>G (NM_001362877.2); c.656-202T>G (NM_001317946.2); c.602-202T>G (NM_001007468.3).
Identifiers: ClinVar variation 677799 (VCV000677799.2), dbSNP rs35467366, ClinGen allele CA322567687.

ClinVar aggregate classification (germline): Benign. Review status: criteria provided, multiple submitters, no conflicts (2 of 4 stars). 2 submissions from 2 submitters: Benign (2). Last evaluated 2018-06-16.

Allele frequency attached by ClinVar (database versions not stated): gnomAD exomes 0.00510; gnomAD 0.03988 and 0.04237; TOPMed 0.04420; 1000 Genomes Project 0.05132; 1000 Genomes Project 30x 0.05840.
gnomAD v4.1: 8,732 of 650,028 alleles (1.3%); highest among the groups gnomAD compares: African/African-American, 14%; 537 homozygotes.

Submissions (2):

GeneDx
Classification: Benign. Last evaluated: 2018-06-16. Review status: criteria provided, single submitter. Criteria: GeneDx Variant Classification (06012015). Collection method: clinical testing. Allele origin: germline. Affected: yes.
Comment: This variant is considered likely benign or benign based on one or more of the following criteria: it is a conservative change, it occurs at a poorly conserved position in the protein, it is predicted to be benign by multiple in silico algorithms, and/or has population frequency not consistent with disease.

Breakthrough Genomics
Classification: Benign. Review status: criteria provided, single submitter. Criteria: ACMG Guidelines, 2015. Collection method: not provided. Allele origin: germline. Inheritance: Autosomal dominant inheritance. Affected: yes.